The following is an entry in ClinVar:

NM_001374736.1(DST):c.13722-4G>A

Gene: DST (dystonin; minus strand). Cytogenetic location: 6p12.1.
Variant type: single nucleotide variant.
Coding change: c.13722-4G>A on transcript NM_001374736.1 (MANE Select); 4 bases into the intron before coding-DNA position 13722, G replaced by A.
Molecular consequence: intron variant.
Genome position (GRCh38, 1-based): chr6:56,570,016, C>T on the plus strand (G>A on the coding strand, the complement: DST is on the minus strand). VCF-style: chr6-56570016-C-T. GRCh37 (hg19) VCF-style: chr6-56434814-C-T.
Other names: c.7365-4G>A (NM_001144769.5, NM_001144769.2); c.13722-4G>A (NM_001374722.1); c.13749-4G>A (NM_001374734.1); c.6951-4G>A (NM_001144770.2); c.6831-4G>A (NM_001374730.1, NM_001386100.1, NM_183380.4); c.13089-4G>A (NM_001374729.1); c.5853-4G>A (NM_015548.5).
Identifiers: ClinVar variation 1164512 (VCV001164512.34), dbSNP rs190649369, ClinGen allele CA3868168.
Genomic context (GRCh38, chr6:56,570,016, plus strand): 5'-TTAACAAGAACTTGGAAAGCATCCAACTGTTCTTGACAAGAAGTTACAGCTTCTTTTCTA[C>T]ATAACAAAAATCATACAAGAATTTAAGTCACAGAAAGAAGAATAAATAAATTATTATTCT-3'

ClinVar aggregate classification (germline): Benign/Likely benign. Review status: criteria provided, multiple submitters, no conflicts (2 of 4 stars). 3 submissions from 3 submitters: Benign (1); Likely benign (2). Last evaluated 2025-10-21.

Conditions:
Hereditary sensory and autonomic neuropathy type 6. Also called: HSAN VI; Neuropathy, hereditary sensory and autonomic, type VI. Identifiers: Orphanet 314381, MedGen C3539003, MONDO:0013839, OMIM 614653.
Epidermolysis bullosa simplex 3, localized or generalized intermediate, with BP230 deficiency (EBS3). Also called: Epidermolysis bullosa simplex due to BP230 deficiency; Epidermolysis bullosa simplex, autosomal recessive 2. Identifiers: Orphanet 412181, MedGen C3809470, MONDO:0014180, OMIM 615425.
DST-related disorder. Also called: DST-related condition; DST-related disorders.

Allele frequency attached by ClinVar (database versions not stated): gnomAD exomes 0.00005 and 0.00022; gnomAD 0.00008 and 0.00012; TOPMed 0.00009; ExAC 0.00025; 1000 Genomes Project 30x 0.00078; 1000 Genomes Project 0.00080.
gnomAD v4.1: 88 of 1,563,002 alleles (0.0056%); highest among the groups gnomAD compares: East Asian, 0.17%; no homozygotes.

Submissions (3):

PreventionGenetics, part of Exact Sciences
Classification: Likely benign for DST-related condition. Last evaluated: 2025-10-21. Review status: criteria provided, single submitter. Criteria: ACMG Guidelines, 2015. Collection method: clinical testing. Allele origin: germline.
Comment: This variant is classified as likely benign based on ACMG/AMP sequence variant interpretation guidelines (Richards et al. 2015 PMID: 25741868, with internal and published modifications).

Labcorp Genetics (formerly Invitae), Labcorp
Classification: Benign for Epidermolysis bullosa simplex 3, localized or generalized intermediate, with BP230 deficiency; Hereditary sensory and autonomic neuropathy type 6. Last evaluated: 2024-12-08. Review status: criteria provided, single submitter. Criteria: Invitae Variant Classification Sherloc (09022015). Collection method: clinical testing. Allele origin: germline.

CeGaT Center for Human Genetics Tuebingen
Classification: Likely benign. Last evaluated: 2023-01-01. Review status: criteria provided, single submitter. Criteria: CeGaT Center For Human Genetics Tuebingen Variant Classification Criteria Version 2. Collection method: clinical testing. Allele origin: germline. Affected: yes. Observed: 1 variant allele.
Comment: DST: BP4, BS2